The following is an entry in ClinVar:

NM_001267550.2(TTN):c.22214C>T (p.Ser7405Phe)

Gene: TTN (titin; minus strand). Cytogenetic location: 2q31.2.
Variant type: single nucleotide variant.
Coding change: c.22214C>T on transcript NM_001267550.2 (MANE Select); coding-DNA position 22214, C replaced by T.
Protein change: p.Ser7405Phe; replaces serine 7405 with phenylalanine.
Molecular consequence: missense variant. On other transcripts: intron variant (3).
Genome position (GRCh38, 1-based): chr2:178,722,685, G>A on the plus strand (C>T on the coding strand, the complement: TTN is on the minus strand). VCF-style: chr2-178722685-G-A. GRCh37 (hg19) VCF-style: chr2-179587412-G-A.
Other names: p.S7088F:TCT>TTT; c.21263C>T, p.Ser7088Phe (NM_001256850.1); c.18482C>T, p.Ser6161Phe (NM_133378.4); c.13282+15397C>T (NM_003319.4); c.13858+15397C>T (NM_133437.4); c.13657+15397C>T (NM_133432.3); short protein forms S7088F, S7405F, S6161F.
Identifiers: ClinVar variation 203309 (VCV000203309.6), dbSNP rs794729627, ClinGen allele CA311995.

ClinVar aggregate classification (germline): Uncertain significance. Review status: criteria provided, multiple submitters, no conflicts (2 of 4 stars). 2 submissions from 2 submitters: Uncertain significance (2). Last evaluated 2016-12-30.

Allele frequency attached by ClinVar (database versions not stated): gnomAD exomes below 0.00001.
gnomAD v4.1: 3 of 1,612,482 alleles (0.00019%); highest among the groups gnomAD compares: Middle Eastern, 0.017%; no homozygotes.

Submissions (2):

Eurofins Ntd Llc (ga)
Classification: Uncertain significance. Last evaluated: 2016-12-30. Review status: criteria provided, single submitter. Criteria: EGL Classification Definitions 2015. Collection method: clinical testing. Allele origin: germline. Observed: 2 variant alleles, 2 heterozygotes.

GeneDx
Classification: Uncertain significance. Last evaluated: 2013-06-11. Review status: criteria provided, single submitter. Criteria: GeneDx Variant Classification (06012015). Collection method: clinical testing. Allele origin: germline. Affected: yes.
Comment: Missense variants in the TTN gene are considered 'unclassified' if they are not previously reported in the literature and do not have >1% frequency in the population to be considered a polymorphism. Research indicates that truncating mutations in the TTN gene are expected to account for approximately 25% of familial and 18% of sporadic idiopathic DCM; however, truncating variants in the TTN gene have been reported in approximately 3% of reported control alleles. There has been little investigation into non-truncating variants. (Herman D et al. Truncations of titin causing dilated cardiomyopathy. N Eng J Med 366:619-628, 2012) The variant is found in DCM panel(s).